The following is an entry in ClinVar:

NM_015046.7(SETX):c.1979C>G (p.Ala660Gly)

Gene: SETX (senataxin; minus strand). Cytogenetic location: 9q34.13.
Variant type: single nucleotide variant.
Coding change: c.1979C>G on transcript NM_015046.7 (MANE Select); coding-DNA position 1979, C replaced by G.
Protein change: p.Ala660Gly; replaces alanine 660 with glycine.
Molecular consequence: missense variant.
Genome position (GRCh38, 1-based): chr9:132,329,619, G>C on the plus strand (C>G on the coding strand, the complement: SETX is on the minus strand). VCF-style: chr9-132329619-G-C. GRCh37 (hg19) VCF-style: chr9-135205006-G-C.
Other names: c.1979C>G, p.Ala660Gly (NM_001351527.2, NM_001351528.2); short protein forms A660G.
Identifiers: ClinVar variation 95659 (VCV000095659.61), dbSNP rs882709, ClinGen allele CA148707.

ClinVar aggregate classification (germline): Benign/Likely benign. Review status: criteria provided, multiple submitters, no conflicts (2 of 4 stars). 17 submissions from 15 submitters: Benign (11); Likely benign (1). 5 of the submissions do not count toward it. Last evaluated 2026-02-04.

Conditions:
Amyotrophic lateral sclerosis type 4 (ALS4). Also called: AMYOTROPHIC LATERAL SCLEROSIS 4, JUVENILE; NEURONOPATHY, DISTAL HEREDITARY MOTOR, WITH PYRAMIDAL FEATURES. Identifiers: Orphanet 357043, MedGen C1865409, MONDO:0011223, OMIM 602433.
Spinocerebellar ataxia, autosomal recessive, with axonal neuropathy 2 (SCAN2). Also called: Ataxia-ocular apraxia-2; Ataxia with Oculomotor Apraxia Type 2; ATAXIA-OCULOMOTOR APRAXIA 2; Ataxia with Oculomotor Apraxia. Identifiers: Orphanet 64753, MedGen C1853761, MONDO:0018996, OMIM 606002.

Allele frequency attached by ClinVar (database versions not stated): gnomAD exomes 0.11747 and 0.07957; ExAC 0.12112; 1000 Genomes Project 0.21366; ESP Exome Variant Server 0.11381; gnomAD 0.12168 and 0.12581; TOPMed 0.13354; 1000 Genomes Project 30x 0.20784.
gnomAD v4.1: 136,753 of 1,613,224 alleles (8.5%); highest among the groups gnomAD compares: East Asian, 42%; 10,094 homozygotes.

Submissions (17):

Labcorp Genetics (formerly Invitae), Labcorp
Classification: Benign for Amyotrophic lateral sclerosis type 4; Spinocerebellar ataxia, autosomal recessive, with axonal neuropathy 2. Last evaluated: 2026-02-04. Review status: criteria provided, single submitter. Criteria: Invitae Variant Classification Sherloc (09022015). Collection method: clinical testing. Allele origin: germline.

Blueprint Genetics
Classification: Likely benign. Last evaluated: 2024-11-27. Review status: criteria provided, single submitter. Criteria: ACMG Guidelines, 2015. Collection method: clinical testing. Allele origin: germline.

Genome-Nilou Lab
Classification: Benign for Spinocerebellar ataxia, autosomal recessive, with axonal neuropathy 2. Last evaluated: 2023-02-08. Review status: criteria provided, single submitter. Criteria: ACMG Guidelines, 2015. Collection method: clinical testing. Allele origin: germline.

Genome-Nilou Lab
Classification: Benign for Amyotrophic lateral sclerosis type 4. Last evaluated: 2023-02-08. Review status: criteria provided, single submitter. Criteria: ACMG Guidelines, 2015. Collection method: clinical testing. Allele origin: germline.

GeneDx
Classification: Benign. Last evaluated: 2018-07-05. Review status: criteria provided, single submitter. Criteria: GeneDx Variant Classification Process June 2021. Collection method: clinical testing. Allele origin: germline. Affected: yes.

Illumina Laboratory Services, Illumina
Classification: Benign for Amyotrophic lateral sclerosis type 4. Last evaluated: 2018-01-12. Review status: criteria provided, single submitter. Criteria: ICSL Variant Classification Criteria 13 December 2019. Collection method: clinical testing. Allele origin: germline.
Comment: This variant was observed in the ICSL laboratory as part of a predisposition screen in an ostensibly healthy population. It had not been previously curated by ICSL or reported in the Human Gene Mutation Database (HGMD: prior to June 1st, 2018), and was therefore a candidate for classification through an automated scoring system. Utilizing variant allele frequency, disease prevalence and penetrance estimates, and inheritance mode, an automated score was calculated to assess if this variant is too frequent to cause the disease. Based on the score and internal cut-off values, a variant classified as benign is not then subjected to further curation. The score for this variant resulted in a classification of benign for this disease.

Illumina Laboratory Services, Illumina
Classification: Benign for Spinocerebellar ataxia, autosomal recessive, with axonal neuropathy 2. Last evaluated: 2018-01-12. Review status: criteria provided, single submitter. Criteria: ICSL Variant Classification Criteria 13 December 2019. Collection method: clinical testing. Allele origin: germline.
Comment: the same text as in the submission from Illumina Laboratory Services, Illumina above.

Athena Diagnostics
Classification: Benign. Last evaluated: 2017-04-11. Review status: criteria provided, single submitter. Criteria: Athena Diagnostics Criteria. Collection method: clinical testing. Allele origin: germline.

Mayo Clinic Laboratories, Mayo Clinic
Classification: Benign. Last evaluated: 2015-09-09. Review status: criteria provided, single submitter. Criteria: ACMG Guidelines, 2015. Collection method: clinical testing. Allele origin: germline. Observed: 384 variant alleles.

Eurofins Ntd Llc (ga)
Classification: Benign. Last evaluated: 2012-08-14. Review status: criteria provided, single submitter. Criteria: EGL Classification Definitions 2015. Collection method: clinical testing. Allele origin: germline. Observed: 1 variant allele, 1 homozygote.

Breakthrough Genomics
Classification: Benign. Review status: criteria provided, single submitter. Criteria: ACMG Guidelines, 2015. Collection method: not provided. Allele origin: germline. Inheritance: Autosomal recessive inheritance. Affected: yes.

PreventionGenetics, part of Exact Sciences
Classification: Benign. Review status: criteria provided, single submitter. Criteria: ACMG Guidelines, 2015. Collection method: clinical testing. Allele origin: germline.

Clinical Genetics DNA and cytogenetics Diagnostics Lab, Erasmus MC, Erasmus Medical Center
Classification: Benign. Review status: no assertion criteria provided. Collection method: clinical testing. Allele origin: germline. Affected: yes. Study: VKGL Data-share Consensus. Not counted in ClinVar's aggregate classification.

Clinical Genetics, Academic Medical Center
Classification: Benign. Review status: no assertion criteria provided. Collection method: clinical testing. Allele origin: germline. Affected: yes. Study: VKGL Data-share Consensus. Not counted in ClinVar's aggregate classification.

Genome Diagnostics Laboratory, Amsterdam University Medical Center
Classification: Benign. Review status: no assertion criteria provided. Collection method: clinical testing. Allele origin: germline. Affected: yes. Study: VKGL Data-share Consensus. Not counted in ClinVar's aggregate classification.

Genome Diagnostics Laboratory, University Medical Center Utrecht
Classification: Benign. Review status: no assertion criteria provided. Collection method: clinical testing. Allele origin: germline. Affected: yes. Study: VKGL Data-share Consensus. Not counted in ClinVar's aggregate classification.

Joint Genome Diagnostic Labs from Nijmegen and Maastricht, Radboudumc and MUMC+
Classification: Benign. Review status: no assertion criteria provided. Collection method: clinical testing. Allele origin: germline. Affected: yes. Study: VKGL Data-share Consensus. Not counted in ClinVar's aggregate classification.